The following is an entry in ClinVar:

ClinVar aggregate classification (germline): Pathogenic (1 of 4 stars; one submission).

Conditions:
Peroxisome biogenesis disorder 5A (Zellweger) (PBD5A). Identifiers: Orphanet 912, MedGen C3553940, MONDO:0013932, OMIM 614866.

Submission:

Labcorp Genetics (formerly Invitae), Labcorp
Classification: Pathogenic for Peroxisome biogenesis disorder 5A (Zellweger). Last evaluated: 2023-07-07. Review status: criteria provided, single submitter. Criteria: Invitae Variant Classification Sherloc (09022015). Collection method: clinical testing. Allele origin: germline.
Comment: For these reasons, this variant has been classified as Pathogenic. This variant disrupts a region of the PEX2 protein in which other variant(s) (p.Lys215Serfs*2) have been determined to be pathogenic (PMID: 10652207; Invitae). This suggests that this is a clinically significant region of the protein, and that variants that disrupt it are likely to be disease-causing. This variant has not been reported in the literature in individuals affected with PEX2-related conditions. This variant is not present in population databases (gnomAD no frequency). This sequence change creates a premature translational stop signal (p.Glu6Argfs*19) in the PEX2 gene. While this is not anticipated to result in nonsense mediated decay, it is expected to disrupt the last 300 amino acid(s) of the PEX2 protein.

Literature cited by the submitters: PubMed 10652207.

NM_000318.3(PEX2):c.15dup (p.Glu6fs)

Gene: PEX2 (peroxisomal biogenesis factor 2; minus strand). Cytogenetic location: 8q21.13.
Variant type: Duplication.
Coding change: c.15dup on transcript NM_000318.3 (MANE Select); coding-DNA position 15, one base duplicated (A; older notation c.15dupA).
Protein change: p.Glu6fs; shifts the reading frame from glutamic acid 6.
Molecular consequence: frameshift variant.
Genome position (GRCh38, 1-based): chr8:76,984,164, T duplicated on the plus strand (A on the coding strand, the reverse complement: PEX2 is on the minus strand); the first of 4 consecutive T bases (chr8:76,984,164-76,984,167); duplicating any one gives the same sequence. VCF-style (leftmost placement, unchanged base first): chr8-76984163-C-CT. GRCh37 (hg19) VCF-style: chr8-77896399-C-CT.
Other names: c.15dup, p.Glu6fs (NM_001079867.2, NM_001172086.2, NM_001172087.2); short protein forms E6fs.
Identifiers: ClinVar variation 2019730 (VCV002019730.4), dbSNP rs2487454145, ClinGen allele CA2580078961.